The following is an entry in ClinVar:

NM_000488.3(SERPINC1):c.-88G>A

Gene: SERPINC1 (serpin family C member 1; minus strand). Cytogenetic location: 1q25.1.
Variant type: single nucleotide variant.
Coding change: c.-88G>A on transcript NM_000488.3; 88 bases upstream of the start codon, G replaced by A.
Genome position (GRCh38, 1-based): chr1:173,917,347, C>T on the plus strand (G>A on the coding strand, the complement: SERPINC1 is on the minus strand). VCF-style: chr1-173917347-C-T. GRCh37 (hg19) VCF-style: chr1-173886485-C-T.
Identifiers: ClinVar variation 293841 (VCV000293841.9), dbSNP rs376206880, ClinGen allele CA10608401.

ClinVar aggregate classification (germline): Uncertain significance. Review status: reviewed by expert panel (3 of 4 stars). 3 submissions from 3 submitters: Uncertain significance (1). 2 of the submissions do not count toward it. Last evaluated 2024-07-03.

Conditions:
Hereditary antithrombin deficiency (AT3D). Also called: Antithrombin deficiency; Antithrombin III deficiency; Thrombophilia due to antithrombin III deficiency; Reduced antithrombin III activity. Identifiers: Orphanet 82, MedGen C0272375, MONDO:0013144, OMIM 613118, HP:0001976.

Allele frequency attached by ClinVar (database versions not stated): gnomAD 0.00005 and 0.00009; TOPMed 0.00006; gnomAD exomes 0.00002.

Submissions (3):

Clingen Thrombosis Variant Curation Expert Panel, ClinGen
Classification: Uncertain significance for Hereditary antithrombin deficiency. Last evaluated: 2024-07-03. Review status: reviewed by expert panel. Criteria: ClinGen ACMG Specifications SERPINC1 V1.0.0. Collection method: curation. Allele origin: germline. Inheritance: Autosomal dominant inheritance.
Comment: The c.-88G>A (NM_000488.3) variant in SERPINC1 is in the 5' untranslated region (UTR) and changes nucleotide guanine to adenine. The variant is reported at an allele frequency of 0.00004056 with the highest MAF of 0.0003908 (27/69094) in the African/African American population in gnomAD v4.0.0 meeting BS1 (>0.0002). In summary, based on the evidence available at this time, the clinical significance of this variant is uncertain. ACMG/AMP criteria applied, as specified by the Thrombosis Variant Curation Expert Panel for AT Deficiency for SERPINC1: BS1.

Illumina Laboratory Services, Illumina
Classification: Uncertain significance for Hereditary antithrombin deficiency. Last evaluated: 2018-01-13. Review status: criteria provided, single submitter. Criteria: ICSL Variant Classification Criteria 13 December 2019. Collection method: clinical testing. Allele origin: germline. Not counted in ClinVar's aggregate classification.

Breakthrough Genomics
Classification: Uncertain significance. Review status: criteria provided, single submitter. Criteria: ACMG Guidelines, 2015. Collection method: not provided. Allele origin: germline. Inheritance: Autosomal recessive inheritance. Affected: yes. Not counted in ClinVar's aggregate classification.